The following is an entry in ClinVar:

NM_024685.4(BBS10):c.1235A>T (p.Asp412Val)

Gene: BBS10 (Bardet-Biedl syndrome 10; minus strand). Cytogenetic location: 12q21.2.
Variant type: single nucleotide variant.
Coding change: c.1235A>T on transcript NM_024685.4 (MANE Select); coding-DNA position 1235, A replaced by T.
Protein change: p.Asp412Val; replaces aspartic acid 412 with valine.
Molecular consequence: missense variant.
Genome position (GRCh38, 1-based): chr12:76,346,750, T>A on the plus strand (A>T on the coding strand, the complement: BBS10 is on the minus strand). VCF-style: chr12-76346750-T-A. GRCh37 (hg19) VCF-style: chr12-76740530-T-A.
Other names: short protein forms D412V.
Identifiers: ClinVar variation 2006527 (VCV002006527.4), dbSNP rs2540955953, ClinGen allele CA385812086.

ClinVar aggregate classification (germline): Uncertain significance (1 of 4 stars; one submission).

Conditions:
Bardet-Biedl syndrome (BBS). Identifiers: Orphanet 110, MedGen C0752166, MONDO:0015229.

Allele frequency attached by ClinVar (database versions not stated): gnomAD exomes below 0.00001.

Submission:

Labcorp Genetics (formerly Invitae), Labcorp
Classification: Uncertain significance for Bardet-Biedl syndrome. Last evaluated: 2022-07-30. Review status: criteria provided, single submitter. Criteria: Invitae Variant Classification Sherloc (09022015). Collection method: clinical testing. Allele origin: germline.
Comment: Algorithms developed to predict the effect of missense changes on protein structure and function output the following: SIFT: "Tolerated"; PolyPhen-2: "Benign"; Align-GVGD: "Class C0". The valine amino acid residue is found in multiple mammalian species, which suggests that this missense change does not adversely affect protein function. In summary, the available evidence is currently insufficient to determine the role of this variant in disease. Therefore, it has been classified as a Variant of Uncertain Significance. This variant has not been reported in the literature in individuals affected with BBS10-related conditions. This variant is not present in population databases (gnomAD no frequency). This sequence change replaces aspartic acid, which is acidic and polar, with valine, which is neutral and non-polar, at codon 412 of the BBS10 protein (p.Asp412Val).